The following is an entry in ClinVar:

ClinVar aggregate classification (germline): Uncertain significance (1 of 4 stars; one submission).

Allele frequency attached by ClinVar (database versions not stated): TOPMed below 0.00001; ESP Exome Variant Server 0.00008; gnomAD exomes 0.00001; ExAC 0.00001.

Submission:

GeneDx
Classification: Uncertain significance. Last evaluated: 2019-04-16. Review status: criteria provided, single submitter. Criteria: GeneDx Variant Classification Process June 2021. Collection method: clinical testing. Allele origin: germline. Affected: yes.
Comment: Not observed at a significant frequency in large population cohorts (Lek et al., 2016); In silico analysis, which includes protein predictors and evolutionary conservation, supports a deleterious effect; Has not been previously published as pathogenic or benign to our knowledge

NM_013296.5(GPSM2):c.1213C>T (p.Arg405Cys)

Gene: GPSM2 (G protein signaling modulator 2; plus strand). Cytogenetic location: 1p13.3.
Variant type: single nucleotide variant.
Coding change: c.1213C>T on transcript NM_013296.5 (MANE Select); coding-DNA position 1213, C replaced by T.
Protein change: p.Arg405Cys; replaces arginine 405 with cysteine.
Molecular consequence: missense variant.
Genome position (GRCh38, 1-based): chr1:108,914,358, C>T. VCF-style: chr1-108914358-C-T. GRCh37 (hg19) VCF-style: chr1-109456980-C-T.
Other names: c.1213C>T, p.Arg405Cys (NM_001321038.2, NM_001321039.3); short protein forms R405C.
Identifiers: ClinVar variation 1304803 (VCV001304803.2), dbSNP rs375362439, ClinGen allele CA982999.